The following is an entry in ClinVar:

NM_015295.3(SMCHD1):c.5281C>T (p.Arg1761Cys)

Gene: SMCHD1 (structural maintenance of chromosomes flexible hinge domain containing 1; plus strand). Cytogenetic location: 18p11.32.
Variant type: single nucleotide variant.
Coding change: c.5281C>T on transcript NM_015295.3 (MANE Select); coding-DNA position 5281, C replaced by T.
Protein change: p.Arg1761Cys; replaces arginine 1761 with cysteine.
Molecular consequence: missense variant.
Genome position (GRCh38, 1-based): chr18:2,775,839, C>T. VCF-style: chr18-2775839-C-T. GRCh37 (hg19) VCF-style: chr18-2775837-C-T.
Other names: c.5281C>T (NM_015295.2); short protein forms R1761C.
Identifiers: ClinVar variation 1407939 (VCV001407939.10), dbSNP rs370977174, ClinGen allele CA8871699.
Genomic context (GRCh38, chr18:2,775,839, plus strand): 5'-ATTTCTTGGCATCTGGCAAGTGACATGGACTGTGTAGTCACCCTAACCACTGACGCTGCA[C>T]GTCGTATCTATGATGAAACCCAAGGTCGTCAGCAGGTGTTGCCCCTTGATTCTATTTACA-3'
Protein context (NP_056110.2, residues 1751-1771): CVVTLTTDAA[Arg1761Cys]RIYDETQGRQ

ClinVar aggregate classification (germline): Uncertain significance. Review status: criteria provided, multiple submitters, no conflicts (2 of 4 stars). 2 submissions from 2 submitters: Uncertain significance (2). Last evaluated 2025-10-15.

Conditions:
Facioscapulohumeral muscular dystrophy 2 (FSHD2). Also called: MUSCULAR DYSTROPHY, FACIOSCAPULOHUMERAL, TYPE 1B; FACIOSCAPULOHUMERAL MUSCULAR DYSTROPHY 2, DIGENIC; FSHD2, DIGENIC. Identifiers: Orphanet 269, MedGen C1834671, MONDO:0008031, OMIM 158901.

Allele frequency attached by ClinVar (database versions not stated): ExAC 0.00002; gnomAD exomes 0.00002; TOPMed 0.00002; gnomAD 0.00003; ESP Exome Variant Server 0.00008.
gnomAD v4.1: 32 of 1,612,174 alleles (0.002%); highest among the groups gnomAD compares: Non-Finnish European, 0.0026%; no homozygotes.

Submissions (2):

Labcorp Genetics (formerly Invitae), Labcorp
Classification: Uncertain significance for Facioscapulohumeral muscular dystrophy 2. Last evaluated: 2025-10-15. Review status: criteria provided, single submitter. Criteria: Invitae Variant Classification Sherloc (09022015). Collection method: clinical testing. Allele origin: germline.
Comment: This sequence change replaces arginine, which is basic and polar, with cysteine, which is neutral and slightly polar, at codon 1761 of the SMCHD1 protein (p.Arg1761Cys). The frequency data for this variant in the population databases is considered unreliable, as metrics indicate poor data quality at this position in the gnomAD database. This variant has not been reported in the literature in individuals affected with SMCHD1-related conditions. ClinVar contains an entry for this variant (Variation ID: 1407939). Invitae Evidence Modeling of protein sequence and biophysical properties (such as structural, functional, and spatial information, amino acid conservation, physicochemical variation, residue mobility, and thermodynamic stability) indicates that this missense variant is not expected to disrupt SMCHD1 protein function with a negative predictive value of 80%. In summary, the available evidence is currently insufficient to determine the role of this variant in disease. Therefore, it has been classified as a Variant of Uncertain Significance.

Revvity Omics, Revvity
Classification: Uncertain significance. Last evaluated: 2021-09-17. Review status: criteria provided, single submitter. Criteria: ACMG Guidelines, 2015. Collection method: clinical testing. Allele origin: germline.